The following is an entry in ClinVar:

ClinVar aggregate classification (germline): Pathogenic (1 of 4 stars; one submission).

Allele frequency attached by ClinVar (database versions not stated): gnomAD exomes below 0.00001.
gnomAD v4.1: 1 of 1,614,024 alleles (0.000062%); highest among the groups gnomAD compares: Non-Finnish European, 0.000085%; no homozygotes.

Submission:

Labcorp Genetics (formerly Invitae), Labcorp
Classification: Pathogenic. Last evaluated: 2022-06-09. Review status: criteria provided, single submitter. Criteria: Invitae Variant Classification Sherloc (09022015). Collection method: clinical testing. Allele origin: germline.
Comment: For these reasons, this variant has been classified as Pathogenic. This premature translational stop signal has been observed in individual(s) with MCM3AP-related conditions (PMID: 28633435). In at least one individual the variant was observed to be de novo. This variant is not present in population databases (gnomAD no frequency). This sequence change creates a premature translational stop signal (p.Tyr889*) in the MCM3AP gene. It is expected to result in an absent or disrupted protein product. Loss-of-function variants in MCM3AP are known to be pathogenic (PMID: 28633435).

Literature cited by the submitters: PubMed 28633435.

NM_003906.5(MCM3AP):c.2667C>G (p.Tyr889Ter)

Gene: MCM3AP (minichromosome maintenance complex component 3 associated protein; minus strand). Cytogenetic location: 21q22.3.
Variant type: single nucleotide variant.
Coding change: c.2667C>G on transcript NM_003906.5 (MANE Select); coding-DNA position 2667, C replaced by G.
Protein change: p.Tyr889Ter; replaces tyrosine 889 with a stop codon.
Molecular consequence: nonsense.
Genome position (GRCh38, 1-based): chr21:46,267,104, G>C on the plus strand (C>G on the coding strand, the complement: MCM3AP is on the minus strand). VCF-style: chr21-46267104-G-C. GRCh37 (hg19) VCF-style: chr21-47687018-G-C.
Other names: short protein forms Y889*.
Identifiers: ClinVar variation 1965162 (VCV001965162.5), dbSNP rs1569073058, ClinGen allele CA410564262.